The following is an entry in ClinVar:

NM_001347721.2(DYRK1A):c.1664C>T (p.Ala555Val)

Gene: DYRK1A (dual specificity tyrosine phosphorylation regulated kinase 1A; plus strand). Cytogenetic location: 21q22.13.
Variant type: single nucleotide variant.
Coding change: c.1664C>T on transcript NM_001347721.2 (MANE Select); coding-DNA position 1664, C replaced by T.
Protein change: p.Ala555Val; replaces alanine 555 with valine.
Molecular consequence: missense variant. On other transcripts: 3 prime UTR variant (1), synonymous variant (1).
Genome position (GRCh38, 1-based): chr21:37,511,930, C>T. VCF-style: chr21-37511930-C-T. GRCh37 (hg19) VCF-style: chr21-38884233-C-T.
Other names: c.1664C>T, p.Ala555Val (NM_001347722.2, NM_130436.2); c.1577C>T, p.Ala526Val (NM_001347723.2); c.1691C>T, p.Ala564Val (NM_001396.5); c.*67C>T (NM_101395.2); c.1566C>T, p.Cys522= (NM_130438.2); short protein forms A526V, A555V, A564V.
Identifiers: ClinVar variation 3629209 (VCV003629209.2).
Genomic context (GRCh38, chr21:37,511,930, plus strand): 5'-ACAGTCCTCTGAAAAATCCTTTTAAAAATCTGTTCTTTCAGGTGCGTCAGCAATTTCCTG[C>T]TCCTCTTGGTTGGTCAGGCACTGAAGCTCCTACACAGGTCACTGTTGAAACTCATCCTGT-3'
Protein context (NP_001334650.1, residues 545-565): HSPQVRQQFP[Ala555Val]PLGWSGTEAP

ClinVar aggregate classification (germline): Uncertain significance (1 of 4 stars; one submission).

Conditions:
DYRK1A-related intellectual disability syndrome (MRD7). Also called: Intellectual developmental disorder, autosomal dominant 7; DYRK1A Syndrome. Identifiers: Orphanet 464306, MedGen C5568143, MONDO:0013578, OMIM 614104.

gnomAD v4.1: 1 of 1,611,706 alleles (0.000062%); highest among the groups gnomAD compares: African/African-American, 0.0013%; no homozygotes.

Submission:

Labcorp Genetics (formerly Invitae), Labcorp
Classification: Uncertain significance for DYRK1A-related intellectual disability syndrome. Last evaluated: 2024-06-15. Review status: criteria provided, single submitter. Criteria: Invitae Variant Classification Sherloc (09022015). Collection method: clinical testing. Allele origin: germline.
Comment: This sequence change replaces alanine, which is neutral and non-polar, with valine, which is neutral and non-polar, at codon 564 of the DYRK1A protein (p.Ala564Val). This variant is not present in population databases (gnomAD no frequency). This variant has not been reported in the literature in individuals affected with DYRK1A-related conditions. An algorithm developed to predict the effect of missense changes on protein structure and function (PolyPhen-2) suggests that this variant is likely to be tolerated. In summary, the available evidence is currently insufficient to determine the role of this variant in disease. Therefore, it has been classified as a Variant of Uncertain Significance.